The following is an entry in ClinVar:

NM_014043.4(CHMP2B):c.27C>T (p.Thr9=)

Gene: CHMP2B (charged multivesicular body protein 2B; plus strand). Cytogenetic location: 3p11.2.
Variant type: single nucleotide variant.
Coding change: c.27C>T on transcript NM_014043.4 (MANE Select); coding-DNA position 27, C replaced by T.
Protein change: p.Thr9=; no amino-acid change (threonine 9 retained).
Molecular consequence: synonymous variant. On other transcripts: 5 prime UTR variant (1).
Genome position (GRCh38, 1-based): chr3:87,227,549, C>T. VCF-style: chr3-87227549-C-T. GRCh37 (hg19) VCF-style: chr3-87276699-C-T.
Other names: p.Thr9=; c.-5C>T (NM_001244644.2).
Identifiers: ClinVar variation 97999 (VCV000097999.18), dbSNP rs2279720, ClinGen allele CA224965.

ClinVar aggregate classification (germline): Benign. Review status: criteria provided, multiple submitters, no conflicts (2 of 4 stars). 9 submissions from 9 submitters: Benign (6). 3 of the submissions do not count toward it. Last evaluated 2026-02-04.

Conditions:
Frontotemporal dementia and/or amyotrophic lateral sclerosis 7 (FTDALS7). Also called: CHMP2B-related frontotemporal dementia; AMYOTROPHIC LATERAL SCLEROSIS, CHMP2B-RELATED; Amyotrophic lateral sclerosis 17; CHMP2B-Related Frontotemporal Dementia-Amyotrophic Lateral Sclerosis. Identifiers: Orphanet 275864, Orphanet 282, Orphanet 803, MedGen C1833296, MONDO:0010936, OMIM 600795.

Allele frequency attached by ClinVar (database versions not stated): TOPMed 0.09856; gnomAD exomes 0.08313 and 0.09485; gnomAD 0.09328 and 0.09131; 1000 Genomes Project 30x 0.10322; ESP Exome Variant Server 0.09350; ExAC 0.09351; 1000 Genomes Project 0.10723.
gnomAD v4.1: 136,409 of 1,614,034 alleles (8.5%); highest among the groups gnomAD compares: East Asian, 23%; 6,606 homozygotes.

Submissions (9):

Labcorp Genetics (formerly Invitae), Labcorp
Classification: Benign for Frontotemporal dementia and/or amyotrophic lateral sclerosis 7. Last evaluated: 2026-02-04. Review status: criteria provided, single submitter. Criteria: Invitae Variant Classification Sherloc (09022015). Collection method: clinical testing. Allele origin: germline.

GeneDx
Classification: Benign. Last evaluated: 2018-08-17. Review status: criteria provided, single submitter. Criteria: GeneDx Variant Classification Process June 2021. Collection method: clinical testing. Allele origin: germline. Affected: yes.

Illumina Laboratory Services, Illumina
Classification: Benign for Frontotemporal dementia and/or amyotrophic lateral sclerosis 7. Last evaluated: 2018-01-12. Review status: criteria provided, single submitter. Criteria: ICSL Variant Classification Criteria 13 December 2019. Collection method: clinical testing. Allele origin: germline.
Comment: This variant was observed in the ICSL laboratory as part of a predisposition screen in an ostensibly healthy population. It had not been previously curated by ICSL or reported in the Human Gene Mutation Database (HGMD: prior to June 1st, 2018), and was therefore a candidate for classification through an automated scoring system. Utilizing variant allele frequency, disease prevalence and penetrance estimates, and inheritance mode, an automated score was calculated to assess if this variant is too frequent to cause the disease. Based on the score and internal cut-off values, a variant classified as benign is not then subjected to further curation. The score for this variant resulted in a classification of benign for this disease.

Mayo Clinic Laboratories, Mayo Clinic
Classification: Benign. Last evaluated: 2017-07-20. Review status: criteria provided, single submitter. Criteria: ACMG Guidelines, 2015. Collection method: clinical testing. Allele origin: germline. Observed: 207 variant alleles.

Breakthrough Genomics
Classification: Benign. Review status: criteria provided, single submitter. Criteria: ACMG Guidelines, 2015. Collection method: not provided. Allele origin: germline. Inheritance: Autosomal dominant inheritance. Affected: yes.

PreventionGenetics, part of Exact Sciences
Classification: Benign. Review status: criteria provided, single submitter. Criteria: ACMG Guidelines, 2015. Collection method: clinical testing. Allele origin: germline.

Clinical Genetics DNA and cytogenetics Diagnostics Lab, Erasmus MC, Erasmus Medical Center
Classification: Benign. Review status: no assertion criteria provided. Collection method: clinical testing. Allele origin: germline. Affected: yes. Study: VKGL Data-share Consensus. Not counted in ClinVar's aggregate classification.

Genome Diagnostics Laboratory, Amsterdam University Medical Center
Classification: Benign. Review status: no assertion criteria provided. Collection method: clinical testing. Allele origin: germline. Affected: yes. Study: VKGL Data-share Consensus. Not counted in ClinVar's aggregate classification.

VIB  Department of Molecular Genetics, University of Antwerp
No classification provided. Review status: no classification provided. Collection method: not provided. Allele origin: unknown. Not counted in ClinVar's aggregate classification.